The following is an entry in ClinVar:

NM_002905.5(RDH5):c.460G>A (p.Ala154Thr)

Genes: BLOC1S1-RDH5 (BLOC1S1-RDH5 readthrough; plus strand), RDH5 (retinol dehydrogenase 5; plus strand). Cytogenetic location: 12q13.2.
Variant type: single nucleotide variant.
Coding change: c.460G>A on transcript NM_002905.5 (MANE Select); coding-DNA position 460, G replaced by A.
Protein change: p.Ala154Thr; replaces alanine 154 with threonine.
Molecular consequence: missense variant. On other transcripts: non-coding transcript variant (1).
Genome position (GRCh38, 1-based): chr12:55,721,838, G>A. VCF-style: chr12-55721838-G-A. GRCh37 (hg19) VCF-style: chr12-56115622-G-A.
Other names: c.460G>A, p.Ala154Thr (NM_001199771.3); short protein forms A154T.
Identifiers: ClinVar variation 1981247 (VCV001981247.2), dbSNP rs1381833521, ClinGen allele CA385200932.
Genomic context (GRCh38, chr12:55,721,838, plus strand): 5'-AATGTGAACACAATGGGTCCCATCGGGGTCACCCTTGCCCTGCTGCCTCTGCTGCAGCAA[G>A]CCCGGGGCCGGGTGATCAACATCACCAGCGTCCTGGGTCGCCTGGCAGCCAATGGTGGGG-3'
Protein context (NP_002896.2, residues 144-164): TLALLPLLQQ[Ala154Thr]RGRVINITSV

ClinVar aggregate classification (germline): Uncertain significance (1 of 4 stars; one submission).

Allele frequency attached by ClinVar (database versions not stated): TOPMed 0.00001.
gnomAD v4.1: 2 of 1,613,998 alleles (0.00012%); highest among the groups gnomAD compares: Admixed American, 0.0033%; no homozygotes.

Submission:

Labcorp Genetics (formerly Invitae), Labcorp
Classification: Uncertain significance. Last evaluated: 2022-01-02. Review status: criteria provided, single submitter. Criteria: Invitae Variant Classification Sherloc (09022015). Collection method: clinical testing. Allele origin: germline.
Comment: In summary, the available evidence is currently insufficient to determine the role of this variant in disease. Therefore, it has been classified as a Variant of Uncertain Significance. Algorithms developed to predict the effect of missense changes on protein structure and function are either unavailable or do not agree on the potential impact of this missense change (SIFT: "Deleterious"; PolyPhen-2: "Possibly Damaging"; Align-GVGD: "Class C0"). This variant has not been reported in the literature in individuals affected with RDH5-related conditions. This variant is present in population databases (no rsID available, gnomAD 0.009%). This sequence change replaces alanine, which is neutral and non-polar, with threonine, which is neutral and polar, at codon 154 of the RDH5 protein (p.Ala154Thr).